The following is an entry in ClinVar:

NM_002608.4(PDGFB):c.457G>A (p.Val153Met)

Gene: PDGFB (platelet derived growth factor subunit B; minus strand). Cytogenetic location: 22q13.1.
Variant type: single nucleotide variant.
Coding change: c.457G>A on transcript NM_002608.4 (MANE Select); coding-DNA position 457, G replaced by A.
Protein change: p.Val153Met; replaces valine 153 with methionine.
Molecular consequence: missense variant.
Genome position (GRCh38, 1-based): chr22:39,230,228, C>T on the plus strand (G>A on the coding strand, the complement: PDGFB is on the minus strand). VCF-style: chr22-39230228-C-T. GRCh37 (hg19) VCF-style: chr22-39626233-C-T.
Other names: c.412G>A, p.Val138Met (NM_033016.3); short protein forms V138M, V153M.
Identifiers: ClinVar variation 1316996 (VCV001316996.2), dbSNP rs2146436799, ClinGen allele CA411600153.

ClinVar aggregate classification (germline): Uncertain significance (1 of 4 stars; one submission).

Submission:

GeneDx
Classification: Uncertain significance. Last evaluated: 2019-07-22. Review status: criteria provided, single submitter. Criteria: GeneDx Variant Classification Process June 2021. Collection method: clinical testing. Allele origin: germline. Affected: yes.
Comment: Has not been previously published as pathogenic or benign to our knowledge; Not observed in large population cohorts (Lek et al., 2016); In silico analysis, which includes protein predictors and evolutionary conservation, supports a deleterious effect